The following is an entry in ClinVar:

NM_020831.6(MRTFA):c.2079C>T (p.Pro693=)

Gene: MRTFA (myocardin related transcription factor A; minus strand). Cytogenetic location: 22q13.1.
Variant type: single nucleotide variant.
Coding change: c.2079C>T on transcript NM_020831.6 (MANE Select); coding-DNA position 2079, C replaced by T.
Protein change: p.Pro693=; no amino-acid change (proline 693 retained).
Molecular consequence: synonymous variant.
Genome position (GRCh38, 1-based): chr22:40,418,659, G>A on the plus strand (C>T on the coding strand, the complement: MRTFA is on the minus strand). VCF-style: chr22-40418659-G-A. GRCh37 (hg19) VCF-style: chr22-40814663-G-A.
Other names: c.1779C>T, p.Pro593= (NM_001282660.2); c.1929C>T, p.Pro643= (NM_001282661.3); c.2079C>T, p.Pro693= (NM_001282662.3); c.1884C>T, p.Pro628= (NM_001318139.2); c.1779C>T (NM_020831.4).
Identifiers: ClinVar variation 1167979 (VCV001167979.12), dbSNP rs72655386, ClinGen allele CA10249455.

ClinVar aggregate classification (germline): Benign/Likely benign. Review status: criteria provided, multiple submitters, no conflicts (2 of 4 stars). 3 submissions from 3 submitters: Benign (1); Likely benign (1). 1 of the submissions does not count toward it. Last evaluated 2025-12-29.

Conditions:
MRTFA-related disorder. Also called: MRTFA-related condition.

Allele frequency attached by ClinVar (database versions not stated): gnomAD exomes 0.00011 and 0.00036; gnomAD 0.00022 and 0.00028; TOPMed 0.00031; ExAC 0.00044; 1000 Genomes Project 0.00100; 1000 Genomes Project 30x 0.00109.
gnomAD v4.1: 215 of 1,526,238 alleles (0.014%); highest among the groups gnomAD compares: East Asian, 0.26%; 1 homozygote.

Submissions (3):

Labcorp Genetics (formerly Invitae), Labcorp
Classification: Benign. Last evaluated: 2025-12-29. Review status: criteria provided, single submitter. Criteria: Invitae Variant Classification Sherloc (09022015). Collection method: clinical testing. Allele origin: germline.

Blueprint Genetics
Classification: Likely benign. Last evaluated: 2024-09-09. Review status: criteria provided, single submitter. Criteria: ACMG Guidelines, 2015. Collection method: clinical testing. Allele origin: germline.

PreventionGenetics, part of Exact Sciences
Classification: Likely benign for MRTFA-related condition. Last evaluated: 2019-07-31. Review status: no assertion criteria provided. Collection method: clinical testing. Allele origin: germline. Not counted in ClinVar's aggregate classification.
Comment: This variant is classified as likely benign based on ACMG/AMP sequence variant interpretation guidelines (Richards et al. 2015 PMID: 25741868, with internal and published modifications).